The following is an entry in ClinVar:

ClinVar aggregate classification (germline): Conflicting classifications of pathogenicity. Review status: criteria provided, conflicting classifications (1 of 4 stars). 2 submissions from 2 submitters: Uncertain significance (1); Likely benign (1). Last evaluated 2025-10-07.

Conditions:
CERKL-related disorder. Also called: CERKL-related condition.

Allele frequency attached by ClinVar (database versions not stated): gnomAD exomes 0.00006 and 0.00009; TOPMed 0.00006; gnomAD 0.00008 and 0.00009; ExAC 0.00011.
gnomAD v4.1: 97 of 1,602,190 alleles (0.0061%); highest among the groups gnomAD compares: Non-Finnish European, 0.0066%; no homozygotes.

Submissions (2):

PreventionGenetics, part of Exact Sciences
Classification: Uncertain significance for CERKL-related condition. Last evaluated: 2025-10-07. Review status: criteria provided, single submitter. Criteria: ACMG Guidelines, 2015. Collection method: clinical testing. Allele origin: germline.
Comment: The CERKL c.755+10A>G variant is predicted to interfere with splicing. To our knowledge, this variant has not been reported in the literature. This variant is present in 0.019% of alleles in individuals of European (Non-Finnish) descent in gnomAD. However, the use of computer prediction programs is not equivalent to functional evidence, and therefore the clinical significance of this variant is uncertain.

Labcorp Genetics (formerly Invitae), Labcorp
Classification: Likely benign. Last evaluated: 2025-09-14. Review status: criteria provided, single submitter. Criteria: Invitae Variant Classification Sherloc (09022015). Collection method: clinical testing. Allele origin: germline.

NM_201548.5(CERKL):c.677+635A>G

Gene: CERKL (CERK like autophagy regulator; minus strand). Cytogenetic location: 2q31.3.
Variant type: single nucleotide variant.
Coding change: c.677+635A>G on transcript NM_201548.5 (MANE Select); 635 bases into the intron after coding-DNA position 677, A replaced by G.
Molecular consequence: intron variant.
Genome position (GRCh38, 1-based): chr2:181,565,423, T>C on the plus strand (A>G on the coding strand, the complement: CERKL is on the minus strand). VCF-style: chr2-181565423-T-C. GRCh37 (hg19) VCF-style: chr2-182430150-T-C.
Other names: c.482-15715A>G (NM_001030312.3); c.623+10A>G (NM_001160277.2); c.613+8330A>G (NM_001030313.3); c.755+10A>G (NM_001030311.3).
Identifiers: ClinVar variation 794881 (VCV000794881.11), dbSNP rs201157260, ClinGen allele CA2010698.